The following is an entry in ClinVar:

ClinVar aggregate classification (germline): Likely benign (1 of 4 stars; one submission).

gnomAD v4.1: 2 of 1,612,366 alleles (0.00012%); highest among the groups gnomAD compares: Non-Finnish European, 0.00017%; no homozygotes.

Submission:

CeGaT Center for Human Genetics Tuebingen
Classification: Likely benign. Last evaluated: 2026-01-01. Review status: criteria provided, single submitter. Criteria: CeGaT Center For Human Genetics Tuebingen Variant Classification Criteria Version 2. Collection method: clinical testing. Allele origin: germline. Affected: yes. Observed: 1 variant allele.
Comment: TECTA: BP4, BP7

NM_005422.4(TECTA):c.4683G>C (p.Thr1561=)

Genes: TBCEL-TECTA (TBCEL-TECTA readthrough; plus strand), TECTA (tectorin alpha; plus strand). Cytogenetic location: 11q23.3.
Variant type: single nucleotide variant.
Coding change: c.4683G>C on transcript NM_005422.4 (MANE Select); coding-DNA position 4683, G replaced by C.
Protein change: p.Thr1561=; no amino-acid change (threonine 1561 retained).
Molecular consequence: synonymous variant.
Genome position (GRCh38, 1-based): chr11:121,158,218, G>C. VCF-style: chr11-121158218-G-C. GRCh37 (hg19) VCF-style: chr11-121028927-G-C.
Other names: c.5640G>C, p.Thr1880= (NM_001378761.1).
Identifiers: ClinVar variation 4823116 (VCV004823116.4).
Genomic context (GRCh38, chr11:121,158,218, plus strand): 5'-CATTTCGCCCGTCTACTTCTACATTAACGAAGAGCAGATTCTCATCAACGACCGGAACAC[G>C]GTCAAGGTAACCAGCCTGGCGGCCATTCTTAAGAAGGGGCCCGGAAACAAGGGGTTGGCT-3'
Protein context (NP_005413.2, residues 1551-1571): EEQILINDRN[Thr1561=]VKVNGTQVNV